The following is an entry in ClinVar:

NM_000245.4(MET):c.2668G>C (p.Glu890Gln)

Gene: MET (MET proto-oncogene, receptor tyrosine kinase; plus strand). Cytogenetic location: 7q31.2.
Variant type: single nucleotide variant.
Coding change: c.2668G>C on transcript NM_000245.4 (MANE Select); coding-DNA position 2668, G replaced by C.
Protein change: p.Glu890Gln; replaces glutamic acid 890 with glutamine.
Molecular consequence: missense variant.
Genome position (GRCh38, 1-based): chr7:116,769,729, G>C. VCF-style: chr7-116769729-G-C. GRCh37 (hg19) VCF-style: chr7-116409783-G-C.
Other names: c.2722G>C, p.Glu908Gln (NM_001127500.3); c.2668G>C, p.Glu890Gln (NM_001324401.3); c.1378G>C, p.Glu460Gln (NM_001324402.2); short protein forms E890Q, E908Q, E460Q.
Identifiers: ClinVar variation 2453408 (VCV002453408.2), dbSNP rs547777397, ClinGen allele CA368985638.

ClinVar aggregate classification (germline): Uncertain significance (1 of 4 stars; one submission).

Conditions:
Hereditary cancer-predisposing syndrome. Also called: Neoplastic Syndromes, Hereditary; Tumor predisposition; Hereditary neoplastic syndrome; Hereditary Cancer Syndrome. Identifiers: Orphanet 140162, MedGen C0027672, MeSH D009386, MONDO:0015356.

Allele frequency attached by ClinVar (database versions not stated): gnomAD exomes below 0.00001.
gnomAD v4.1: 2 of 1,613,196 alleles (0.00012%); highest among the groups gnomAD compares: South Asian, 0.0022%; no homozygotes.

Submission:

Ambry Genetics
Classification: Uncertain significance for Hereditary cancer-predisposing syndrome. Last evaluated: 2023-02-03. Review status: criteria provided, single submitter. Criteria: Ambry Variant Classification Scheme 2023. Collection method: clinical testing. Allele origin: germline.
Comment: The p.E908Q variant (also known as c.2722G>C), located in coding exon 11 of the MET gene, results from a G to C substitution at nucleotide position 2722. The glutamic acid at codon 908 is replaced by glutamine, an amino acid with highly similar properties. This amino acid position is conserved. In addition, this alteration is predicted to be tolerated by in silico analysis. Since supporting evidence is limited at this time, the clinical significance of this alteration remains unclear.